The following is an entry in ClinVar:

ClinVar aggregate classification (germline): Pathogenic (1 of 4 stars; one submission).

Submission:

Labcorp Genetics (formerly Invitae), Labcorp
Classification: Pathogenic. Last evaluated: 2022-07-22. Review status: criteria provided, single submitter. Criteria: Invitae Variant Classification Sherloc (09022015). Collection method: clinical testing. Allele origin: germline.
Comment: For these reasons, this variant has been classified as Pathogenic. Algorithms developed to predict the effect of sequence changes on RNA splicing suggest that this variant may create or strengthen a splice site. This variant has not been reported in the literature in individuals affected with CYP11B1-related conditions. This sequence change creates a premature translational stop signal (p.Tyr275*) in the CYP11B1 gene. It is expected to result in an absent or disrupted protein product. Loss-of-function variants in CYP11B1 are known to be pathogenic (PMID: 8506298, 26476331). This variant is not present in population databases (gnomAD no frequency).

Literature cited by the submitters: PubMed 8506298; PubMed 26476331.

NM_000497.4(CYP11B1):c.825T>A (p.Tyr275Ter)

Genes: CYP11B1 (cytochrome P450 family 11 subfamily B member 1; minus strand), LOC106799833 (CYP11B1 recombination region; plus strand). Cytogenetic location: 8q24.3.
Variant type: single nucleotide variant.
Coding change: c.825T>A on transcript NM_000497.4 (MANE Select); coding-DNA position 825, T replaced by A.
Protein change: p.Tyr275Ter; replaces tyrosine 275 with a stop codon.
Molecular consequence: nonsense.
Genome position (GRCh38, 1-based): chr8:142,876,370, A>T on the plus strand (T>A on the coding strand, the complement: CYP11B1 is on the minus strand). VCF-style: chr8-142876370-A-T. GRCh37 (hg19) VCF-style: chr8-143957786-A-T.
Other names: c.825T>A, p.Tyr275Ter (NM_001026213.1); short protein forms Y275*.
Identifiers: ClinVar variation 2015726 (VCV002015726.4), dbSNP rs5290, ClinGen allele CA372395299.